The following is an entry in ClinVar:

ClinVar aggregate classification (germline): Uncertain significance (1 of 4 stars; one submission).

Conditions:
SLC35A2-congenital disorder of glycosylation. Also called: SLC35A2-CDG; CONGENITAL DISORDER OF GLYCOSYLATION, TYPE IIm; CDG IIm; CONGENITAL DISORDER OF GLYCOSYLATION, TYPE IIm, SOMATIC MOSAIC; DEVELOPMENTAL AND EPILEPTIC ENCEPHALOPATHY 22; EPILEPTIC ENCEPHALOPATHY, EARLY INFANTILE, 22. Identifiers: Orphanet 356961, MedGen C3806688, MONDO:0010478, OMIM 300896.

Submission:

Labcorp Genetics (formerly Invitae), Labcorp
Classification: Uncertain significance for SLC35A2-congenital disorder of glycosylation. Last evaluated: 2024-09-01. Review status: criteria provided, single submitter. Criteria: Invitae Variant Classification Sherloc (09022015). Collection method: clinical testing. Allele origin: germline.
Comment: This sequence change replaces arginine, which is basic and polar, with lysine, which is basic and polar, at codon 91 of the SLC35A2 protein (p.Arg91Lys). This variant is not present in population databases (gnomAD no frequency). This variant has not been reported in the literature in individuals affected with SLC35A2-related conditions. An algorithm developed to predict the effect of missense changes on protein structure and function (PolyPhen-2) suggests that this variant is likely to be tolerated. In summary, the available evidence is currently insufficient to determine the role of this variant in disease. Therefore, it has been classified as a Variant of Uncertain Significance.

NM_005660.3(SLC35A2):c.272G>A (p.Arg91Lys)

Gene: SLC35A2 (solute carrier family 35 member A2; minus strand). Cytogenetic location: Xp11.23.
Variant type: single nucleotide variant.
Coding change: c.272G>A on transcript NM_005660.3 (MANE Select); coding-DNA position 272, G replaced by A.
Protein change: p.Arg91Lys; replaces arginine 91 with lysine.
Molecular consequence: missense variant. On other transcripts: intron variant (1).
Genome position (GRCh38, 1-based): chrX:48,909,816, C>T on the plus strand (G>A on the coding strand, the complement: SLC35A2 is on the minus strand). VCF-style: chrX-48909816-C-T. GRCh37 (hg19) VCF-style: chrX-48767093-C-T.
Other names: c.311G>A, p.Arg104Lys (NM_001282650.2); c.356G>A, p.Arg119Lys (NM_001282651.2); c.91+1730G>A (NM_001282649.2); c.272G>A, p.Arg91Lys (NM_001032289.3, NM_001042498.3, NM_001282647.2); c.200G>A, p.Arg67Lys (NM_001282648.2); short protein forms R119K, R67K, R91K, R104K.
Identifiers: ClinVar variation 3664125 (VCV003664125.2).